The following is an entry in ClinVar:

ClinVar aggregate classification (germline): Uncertain significance (1 of 4 stars; one submission).

Conditions:
JAG1-related disorder. Also called: JAG1-related condition; JAG1-related disorders.

Submission:

PreventionGenetics, part of Exact Sciences
Classification: Uncertain significance for JAG1-related condition. Last evaluated: 2025-01-25. Review status: criteria provided, single submitter. Criteria: ACMG Guidelines, 2015. Collection method: clinical testing. Allele origin: germline.
Comment: The JAG1 c.1075G>C variant is predicted to result in the amino acid substitution p.Glu359Gln. To our knowledge, this variant has not been reported in the literature or in a large population database (gnomAD), indicating this variant is rare. At this time, the clinical significance of this variant is uncertain due to the absence of conclusive functional and genetic evidence.

NM_000214.3(JAG1):c.1075G>C (p.Glu359Gln)

Gene: JAG1 (jagged canonical Notch ligand 1; minus strand). Cytogenetic location: 20p12.2.
Variant type: single nucleotide variant.
Coding change: c.1075G>C on transcript NM_000214.3 (MANE Select); coding-DNA position 1075, G replaced by C.
Protein change: p.Glu359Gln; replaces glutamic acid 359 with glutamine.
Molecular consequence: missense variant.
Genome position (GRCh38, 1-based): chr20:10,651,626, C>G on the plus strand (G>C on the coding strand, the complement: JAG1 is on the minus strand). VCF-style: chr20-10651626-C-G. GRCh37 (hg19) VCF-style: chr20-10632274-C-G.
Other names: short protein forms E359Q.
Identifiers: ClinVar variation 4997724 (VCV004997724.1).